The following is an entry in ClinVar:

NM_021167.5(GATAD1):c.601C>T (p.Pro201Ser)

Gene: GATAD1 (GATA zinc finger domain containing 1; plus strand). Cytogenetic location: 7q21.2.
Variant type: single nucleotide variant.
Coding change: c.601C>T on transcript NM_021167.5 (MANE Select); coding-DNA position 601, C replaced by T.
Protein change: p.Pro201Ser; replaces proline 201 with serine.
Molecular consequence: missense variant. On other transcripts: non-coding transcript variant (1).
Genome position (GRCh38, 1-based): chr7:92,454,667, C>T. VCF-style: chr7-92454667-C-T. GRCh37 (hg19) VCF-style: chr7-92083981-C-T.
Other names: short protein forms P201S.
Identifiers: ClinVar variation 4745989 (VCV004745989.1).

ClinVar aggregate classification (germline): Uncertain significance (1 of 4 stars; one submission).

Conditions:
Dilated cardiomyopathy 2B. Identifiers: Orphanet 154, MedGen C3553409, MONDO:0013848, OMIM 614672.

Submission:

Labcorp Genetics (formerly Invitae), Labcorp
Classification: Uncertain significance for Dilated cardiomyopathy 2B. Last evaluated: 2025-04-18. Review status: criteria provided, single submitter. Criteria: Invitae Variant Classification Sherloc (09022015). Collection method: clinical testing. Allele origin: germline.
Comment: This sequence change replaces proline, which is neutral and non-polar, with serine, which is neutral and polar, at codon 201 of the GATAD1 protein (p.Pro201Ser). This variant is not present in population databases (gnomAD no frequency). This variant has not been reported in the literature in individuals affected with GATAD1-related conditions. Invitae Evidence Modeling of protein sequence and biophysical properties (such as structural, functional, and spatial information, amino acid conservation, physicochemical variation, residue mobility, and thermodynamic stability) has been performed for this missense variant. However, the output from this modeling did not meet the statistical confidence thresholds required to predict the impact of this variant on GATAD1 protein function. In summary, the available evidence is currently insufficient to determine the role of this variant in disease. Therefore, it has been classified as a Variant of Uncertain Significance.